The following is an entry in ClinVar:

ClinVar aggregate classification (germline): Conflicting classifications of pathogenicity. Review status: criteria provided, conflicting classifications (1 of 4 stars). 3 submissions from 3 submitters: Uncertain significance (1); Likely benign (1). 1 of the submissions does not count toward it. Last evaluated 2023-01-01.

Conditions:
COL4A2-related disorder. Also called: COL4A2-related disorders; COL4A2-related condition.
Inborn genetic diseases. Identifiers: MedGen C0950123, MeSH D030342.

Allele frequency attached by ClinVar (database versions not stated): gnomAD exomes below 0.00001; ExAC 0.00001; gnomAD 0.00006; TOPMed 0.00014; 1000 Genomes Project 30x 0.00016; 1000 Genomes Project 0.00020.
gnomAD v4.1: 17 of 1,614,252 alleles (0.0011%); highest among the groups gnomAD compares: African/African-American, 0.013%; no homozygotes.

Submissions (3):

Labcorp Genetics (formerly Invitae), Labcorp
Classification: Likely benign. Last evaluated: 2023-01-01. Review status: criteria provided, single submitter. Criteria: Invitae Variant Classification Sherloc (09022015). Collection method: clinical testing. Allele origin: germline.

Ambry Genetics
Classification: Uncertain significance for Inborn genetic diseases. Last evaluated: 2020-12-29. Review status: criteria provided, single submitter. Criteria: Ambry Variant Classification Scheme 2023. Collection method: clinical testing. Allele origin: germline.
Comment: The c.4754C>G (p.P1585R) alteration is located in exon 47 (coding exon 46) of the COL4A2 gene. This alteration results from a C to G substitution at nucleotide position 4754, causing the proline (P) at amino acid position 1585 to be replaced by an arginine (R). The in silico prediction for the p.P1585R alteration is inconclusive. Based on insufficient or conflicting evidence, the clinical significance of this alteration remains unclear.

PreventionGenetics, part of Exact Sciences
Classification: Uncertain significance for COL4A2-related condition. Last evaluated: 2023-12-06. Review status: no assertion criteria provided. Collection method: clinical testing. Allele origin: germline. Not counted in ClinVar's aggregate classification.
Comment: The COL4A2 c.4754C>G variant is predicted to result in the amino acid substitution p.Pro1585Arg. To our knowledge, this variant has not been reported in the literature. This variant is reported in 0.019% of alleles in individuals of African descent in gnomAD. At this time, the clinical significance of this variant is uncertain due to the absence of conclusive functional and genetic evidence.

NM_001846.4(COL4A2):c.4754C>G (p.Pro1585Arg)

Genes: COL4A2 (collagen type IV alpha 2 chain; plus strand), COL4A2-AS1 (COL4A2 antisense RNA 1; minus strand). Cytogenetic location: 13q34.
Variant type: single nucleotide variant.
Coding change: c.4754C>G on transcript NM_001846.4 (MANE Select); coding-DNA position 4754, C replaced by G.
Protein change: p.Pro1585Arg; replaces proline 1585 with arginine.
Molecular consequence: missense variant.
Genome position (GRCh38, 1-based): chr13:110,508,094, C>G. VCF-style: chr13-110508094-C-G. GRCh37 (hg19) VCF-style: chr13-111160441-C-G.
Other names: c.4754C>G (NM_001846.3); short protein forms P1585R.
Identifiers: ClinVar variation 2350570 (VCV002350570.8), dbSNP rs557976330, ClinGen allele CA7050644.